The following is an entry in ClinVar:

ClinVar aggregate classification (germline): Uncertain significance (1 of 4 stars; one submission).

Allele frequency attached by ClinVar (database versions not stated): gnomAD exomes 0.00002; gnomAD 0.00003; TOPMed 0.00003; ExAC 0.00010.
gnomAD v4.1: 34 of 1,614,072 alleles (0.0021%); highest among the groups gnomAD compares: Admixed American, 0.0033%; no homozygotes.

Submission:

Ambry Genetics
Classification: Uncertain significance. Last evaluated: 2023-01-12. Review status: criteria provided, single submitter. Criteria: Ambry Variant Classification Scheme 2023. Collection method: clinical testing. Allele origin: germline.
Comment: The p.R1576T variant (also known as c.4727G>C), located in coding exon 4 of the ALPK2 gene, results from a G to C substitution at nucleotide position 4727. The arginine at codon 1576 is replaced by threonine, an amino acid with similar properties. This amino acid position is conserved. In addition, this alteration is predicted to be tolerated by in silico analysis. Since supporting evidence is limited at this time, the clinical significance of this alteration remains unclear.

NM_052947.4(ALPK2):c.4727G>C (p.Arg1576Thr)

Genes: ALPK2 (alpha kinase 2; minus strand), LOC126862764 (BRD4-independent group 4 enhancer GRCh37_chr18:56202574-56203773; plus strand). Cytogenetic location: 18q21.31.
Variant type: single nucleotide variant.
Coding change: c.4727G>C on transcript NM_052947.4 (MANE Select); coding-DNA position 4727, G replaced by C.
Protein change: p.Arg1576Thr; replaces arginine 1576 with threonine.
Molecular consequence: missense variant.
Genome position (GRCh38, 1-based): chr18:58,535,460, C>G on the plus strand (G>C on the coding strand, the complement: ALPK2 is on the minus strand). VCF-style: chr18-58535460-C-G. GRCh37 (hg19) VCF-style: chr18-56202692-C-G.
Other names: short protein forms R1576T.
Identifiers: ClinVar variation 2450499 (VCV002450499.2), dbSNP rs773867717, ClinGen allele CA8976648.